The following is an entry in ClinVar:

ClinVar aggregate classification (germline): Uncertain significance (1 of 4 stars; one submission).

Submission:

GeneDx
Classification: Uncertain significance. Last evaluated: 2024-02-06. Review status: criteria provided, single submitter. Criteria: GeneDx Variant Classification Process June 2021. Collection method: clinical testing. Allele origin: germline. Affected: yes.
Comment: Not observed at significant frequency in large population cohorts (gnomAD); In silico analysis supports that this missense variant has a deleterious effect on protein structure/function; Has not been previously published as pathogenic or benign to our knowledge

NM_017875.4(SLC25A38):c.158C>G (p.Thr53Arg)

Gene: SLC25A38 (solute carrier family 25 member 38; plus strand). Cytogenetic location: 3p22.1.
Variant type: single nucleotide variant.
Coding change: c.158C>G on transcript NM_017875.4 (MANE Select); coding-DNA position 158, C replaced by G.
Protein change: p.Thr53Arg; replaces threonine 53 with arginine.
Molecular consequence: missense variant.
Genome position (GRCh38, 1-based): chr3:39,389,583, C>G. VCF-style: chr3-39389583-C-G. GRCh37 (hg19) VCF-style: chr3-39431074-C-G.
Other names: c.158C>G, p.Thr53Arg (NM_001354798.2); short protein forms T53R.
Identifiers: ClinVar variation 3368907 (VCV003368907.1).